The following is an entry in ClinVar:

ClinVar aggregate classification (germline): Benign/Likely benign. Review status: criteria provided, multiple submitters, no conflicts (2 of 4 stars). 5 submissions from 5 submitters: Benign (1); Likely benign (3). 1 of the submissions does not count toward it. Last evaluated 2026-02-02.

Conditions:
OCA2-related disorder. Also called: OCA2-related condition.
Tyrosinase-positive oculocutaneous albinism (OCA2). Also called: Albinism, oculocutaneous, type II; ALBINISM II; Oculocutaneous albinism type 2. Identifiers: Orphanet 79432, MedGen C0268495, MONDO:0008746, OMIM 203200.

Allele frequency attached by ClinVar (database versions not stated): gnomAD exomes 0.00030 and 0.00085; ExAC 0.00111; gnomAD 0.00327 and 0.00362; 1000 Genomes Project 0.00359; TOPMed 0.00371; 1000 Genomes Project 30x 0.00375; ESP Exome Variant Server 0.00423.
gnomAD v4.1: 963 of 1,613,396 alleles (0.06%); highest among the groups gnomAD compares: African/African-American, 1.1%; 4 homozygotes.

Submissions (5):

Labcorp Genetics (formerly Invitae), Labcorp
Classification: Benign. Last evaluated: 2026-02-02. Review status: criteria provided, single submitter. Criteria: Invitae Variant Classification Sherloc (09022015). Collection method: clinical testing. Allele origin: germline.

Blueprint Genetics
Classification: Likely benign. Last evaluated: 2024-06-28. Review status: criteria provided, single submitter. Criteria: ACMG Guidelines, 2015. Collection method: clinical testing. Allele origin: germline.

Illumina Laboratory Services, Illumina
Classification: Likely benign for Tyrosinase-positive oculocutaneous albinism. Last evaluated: 2018-01-12. Review status: criteria provided, single submitter. Criteria: ICSL Variant Classification Criteria 13 December 2019. Collection method: clinical testing. Allele origin: germline.
Comment: This variant was observed in the ICSL laboratory as part of a predisposition screen in an ostensibly healthy population. It had not been previously curated by ICSL or reported in the Human Gene Mutation Database (HGMD: prior to June 1st, 2018), and was therefore a candidate for classification through an automated scoring system. Utilizing variant allele frequency, disease prevalence and penetrance estimates, and inheritance mode, an automated score was calculated to assess if this variant is too frequent to cause the disease. Based on the score and internal cut-off values, a variant classified as likely benign is not then subjected to further curation. The score for this variant resulted in a classification of likely benign for this disease.

Breakthrough Genomics
Classification: Likely benign. Review status: criteria provided, single submitter. Criteria: ACMG Guidelines, 2015. Collection method: not provided. Allele origin: germline. Inheritance: Autosomal recessive inheritance. Affected: yes.

PreventionGenetics, part of Exact Sciences
Classification: Likely benign for OCA2-related condition. Last evaluated: 2019-06-07. Review status: no assertion criteria provided. Collection method: clinical testing. Allele origin: germline. Not counted in ClinVar's aggregate classification.
Comment: This variant is classified as likely benign based on ACMG/AMP sequence variant interpretation guidelines (Richards et al. 2015 PMID: 25741868, with internal and published modifications).

NM_000275.3(OCA2):c.126C>T (p.Ala42=)

Gene: OCA2 (OCA2 melanosomal transmembrane protein; minus strand). Cytogenetic location: 15q13.1.
Variant type: single nucleotide variant.
Coding change: c.126C>T on transcript NM_000275.3 (MANE Select); coding-DNA position 126, C replaced by T.
Protein change: p.Ala42=; no amino-acid change (alanine 42 retained).
Molecular consequence: synonymous variant.
Genome position (GRCh38, 1-based): chr15:28,081,749, G>A on the plus strand (C>T on the coding strand, the complement: OCA2 is on the minus strand). VCF-style: chr15-28081749-G-A. GRCh37 (hg19) VCF-style: chr15-28326895-G-A.
Other names: c.126C>T, p.Ala42= (NM_001300984.2).
Identifiers: ClinVar variation 887202 (VCV000887202.16), dbSNP rs141135991, ClinGen allele CA7439573.
Genomic context (GRCh38, chr15:28,081,749, plus strand): 5'-AGCCCAAGAGCTCTGCCCGGCAGCCCCCCTGGGGCAGGAGTGCGAGGGGTCAGCTCCACC[G>A]GCTCCCCGAGGAAGCCTGCGCTTGCCGGCCACAAGTTCAGCGAGTCCGCTGGGCACGGAC-3'
Protein context (NP_000266.2, residues 32-52): VAGKRRLPRG[Ala42=]GGADPSHSCP